The following is an entry in ClinVar:

NC_000004.11:g.(?_114281977)_(114368915_?)dup

Gene: ANK2 (ankyrin 2; plus strand). Cytogenetic location: 4q26.
Variant type: Duplication.
Identifiers: ClinVar variation 3246584 (VCV003246584.1).

ClinVar aggregate classification (germline): Uncertain significance (1 of 4 stars; one submission).

Conditions:
Long QT syndrome (LQTS). Identifiers: MedGen C0023976, MeSH D008133, MONDO:0002442. Disease mechanism: loss of function. Inheritance: Various modes of inheritance.

Submission:

Labcorp Genetics (formerly Invitae), Labcorp
Classification: Uncertain significance for Long QT syndrome. Last evaluated: 2018-10-17. Review status: criteria provided, single submitter. Criteria: Invitae Variant Classification Sherloc (09022015). Collection method: clinical testing. Allele origin: unknown.
Comment: In summary, the available evidence is currently insufficient to determine the role of this variant in disease. Therefore, it has been classified as a Variant of Uncertain Significance. Experimental studies and prediction algorithms are not available for this variant, and the functional significance of the affected amino acid(s) is currently unknown. This variant has not been reported in the literature in individuals with ANK2-related disease. This variant results in a copy number gain of the genomic region encompassing exons 39-46 of the ANK2 gene. The 5' boundary is confined to intron 38.¬†The 3' end of this event extends beyond the end of the 3' UTR. As the precise location of this event is unknown, it may be in tandem or it may be located elsewhere in the genome.